The following is an entry in ClinVar:

ClinVar aggregate classification (germline): Uncertain significance. Review status: criteria provided, multiple submitters, no conflicts (2 of 4 stars). 2 submissions from 2 submitters: Uncertain significance (2). Last evaluated 2025-05-14.

Conditions:
Joubert syndrome 21 (JBTS21). Identifiers: MedGen C3810212, MONDO:0014288, OMIM 615636.
Inborn genetic diseases. Identifiers: MedGen C0950123, MeSH D030342.

Allele frequency attached by ClinVar (database versions not stated): ExAC 0.00002; gnomAD exomes 0.00002; gnomAD 0.00005; TOPMed 0.00005; ESP Exome Variant Server 0.00008.
gnomAD v4.1: 32 of 1,611,796 alleles (0.002%); highest among the groups gnomAD compares: African/African-American, 0.0067%; no homozygotes.

Submissions (2):

Ambry Genetics
Classification: Uncertain significance for Inborn genetic diseases. Last evaluated: 2025-05-14. Review status: criteria provided, single submitter. Criteria: Ambry Variant Classification Scheme 2023. Collection method: clinical testing. Allele origin: germline.

Labcorp Genetics (formerly Invitae), Labcorp
Classification: Uncertain significance for Joubert syndrome 21. Last evaluated: 2022-10-27. Review status: criteria provided, single submitter. Criteria: Invitae Variant Classification Sherloc (09022015). Collection method: clinical testing. Allele origin: germline.
Comment: This variant has not been reported in the literature in individuals affected with CSPP1-related conditions. In summary, the available evidence is currently insufficient to determine the role of this variant in disease. Therefore, it has been classified as a Variant of Uncertain Significance. Algorithms developed to predict the effect of missense changes on protein structure and function are either unavailable or do not agree on the potential impact of this missense change (SIFT: "Deleterious"; PolyPhen-2: "Possibly Damaging"; Align-GVGD: "Class C0"). ClinVar contains an entry for this variant (Variation ID: 1026943). This variant is present in population databases (rs375978348, gnomAD 0.01%). This sequence change replaces arginine, which is basic and polar, with histidine, which is basic and polar, at codon 896 of the CSPP1 protein (p.Arg896His).

NM_001382391.1(CSPP1):c.2702G>A (p.Arg901His)

Gene: CSPP1 (centrosome and spindle pole associated protein 1; plus strand). Cytogenetic location: 8q13.2.
Variant type: single nucleotide variant.
Coding change: c.2702G>A on transcript NM_001382391.1 (MANE Select); coding-DNA position 2702, G replaced by A.
Protein change: p.Arg901His; replaces arginine 901 with histidine.
Molecular consequence: missense variant.
Genome position (GRCh38, 1-based): chr8:67,163,790, G>A. VCF-style: chr8-67163790-G-A. GRCh37 (hg19) VCF-style: chr8-68076025-G-A.
Other names: c.1652G>A, p.Arg551His (NM_001291339.2); c.2621G>A, p.Arg874His (NM_001363131.2); c.2507G>A, p.Arg836His (NM_001363132.2); c.2426G>A, p.Arg809His (NM_001363133.2); c.2768G>A, p.Arg923His (NM_001364869.1); c.2588G>A, p.Arg863His (NM_001364870.1); c.2687G>A, p.Arg896His (NM_024790.7); short protein forms R551H, R809H, R836H, R863H, R874H, R896H, R901H, R923H.
Identifiers: ClinVar variation 1026943 (VCV001026943.5), dbSNP rs375978348, ClinGen allele CA4770910.